The following is an entry in ClinVar:

ClinVar aggregate classification (germline): Likely pathogenic (1 of 4 stars; one submission).

Conditions:
Primary ciliary dyskinesia 23 (CILD23). Also called: CILIARY DYSKINESIA, PRIMARY, 23, WITH OR WITHOUT SITUS INVERSUS. Identifiers: Orphanet 244, MedGen C3809548, MONDO:0014193, OMIM 615451.

Submission:

Juno Genomics, Hangzhou Juno Genomics, Inc
Classification: Likely pathogenic for Primary ciliary dyskinesia 23. Review status: criteria provided, single submitter. Criteria: ACMG Guidelines, 2015. Collection method: clinical testing. Allele origin: germline.
Comment: Absent from controls (or at extremely low frequency if recessive) in Genome Aggregation Database.;Null variant in a gene where loss of function (LOF) is a known mechanism of disease.

NM_018076.5(ODAD2):c.895del (p.Arg299fs)

Gene: ODAD2 (outer dynein arm docking complex subunit 2; minus strand). Cytogenetic location: 10p12.1.
Variant type: Deletion.
Coding change: c.895del on transcript NM_018076.5 (MANE Select); coding-DNA position 895, one base deleted (A; older notation c.895delA).
Protein change: p.Arg299fs; shifts the reading frame from arginine 299.
Molecular consequence: frameshift variant. On other transcripts: 5 prime UTR variant (2).
Genome position (GRCh38, 1-based): chr10:27,981,507, T deleted on the plus strand (A on the coding strand, the reverse complement: ODAD2 is on the minus strand); the first of 2 consecutive T bases (chr10:27,981,507-27,981,508); deleting either gives the same sequence. VCF-style (leftmost placement, unchanged base first): chr10-27981506-CT-C. GRCh37 (hg19) VCF-style: chr10-28270435-CT-C.
Other names: c.895del, p.Arg299fs (NM_001290020.2); c.-229del (NM_001290021.2); c.-30del (NM_001312689.2); short protein forms R299fs.
Identifiers: ClinVar variation 5037994 (VCV005037994.2).
Genomic context (GRCh38, chr10:27,981,506, plus strand): 5'-AAAGAAACCATAAAACTTACCAATTTAGACATATTTTCTGAAAATTTTGGTGATTTTTCT[CT>C]TAAAAATGTGACAAGGTTTTTATAAATTGAACCTTTTCTCTCATAATTAACGTCCCCTTC-3'